The following is an entry in ClinVar:

NM_001282874.2(SMARCA1):c.2038A>G (p.Lys680Glu)

Gene: SMARCA1 (SNF2 related chromatin remodeling ATPase 1; minus strand). Cytogenetic location: Xq25.
Variant type: single nucleotide variant.
Coding change: c.2038A>G on transcript NM_001282874.2 (MANE Select); coding-DNA position 2038, A replaced by G.
Protein change: p.Lys680Glu; replaces lysine 680 with glutamic acid.
Molecular consequence: missense variant.
Genome position (GRCh38, 1-based): chrX:129,488,996, T>C on the plus strand (A>G on the coding strand, the complement: SMARCA1 is on the minus strand). VCF-style: chrX-129488996-T-C. GRCh37 (hg19) VCF-style: chrX-128622973-T-C.
Other names: c.2038A>G (NM_003069.3); c.2002A>G, p.Lys668Glu (NM_001282875.2, NM_001378262.1, NM_001378263.1 and 1 more transcripts); c.2038A>G, p.Lys680Glu (NM_001378261.1, NM_003069.5); short protein forms K668E, K680E.
Identifiers: ClinVar variation 928515 (VCV000928515.3), dbSNP rs1303741633, ClinGen allele CA414545375.

ClinVar aggregate classification (germline): Uncertain significance. Review status: criteria provided, multiple submitters, no conflicts (2 of 4 stars). 2 submissions from 2 submitters: Uncertain significance (2). Last evaluated 2025-08-13.

Allele frequency attached by ClinVar (database versions not stated): gnomAD exomes below 0.00001; TOPMed 0.00001.
gnomAD v4.1: 1 of 1,181,504 alleles (0.000085%); highest among the groups gnomAD compares: Non-Finnish European, 0.00012%; no homozygotes.

Submissions (2):

Ambry Genetics
Classification: Uncertain significance. Last evaluated: 2025-08-13. Review status: criteria provided, single submitter. Criteria: Ambry Variant Classification Scheme 2023. Collection method: clinical testing. Allele origin: germline.

Women's Health and Genetics/Laboratory Corporation of America, LabCorp
Classification: Uncertain significance. Last evaluated: 2022-10-14. Review status: criteria provided, single submitter. Criteria: LabCorp Variant Classification Summary - May 2015. Collection method: clinical testing. Allele origin: germline.
Comment: Variant summary: SMARCA1 c.2038A>G (p.Lys680Glu) results in a conservative amino acid change in the encoded protein sequence. Three of five in-silico tools predict a benign effect of the variant on protein function. The variant was absent in 179761 control chromosomes (gnomAD). The available data on variant occurrences in the general population are insufficient to allow any conclusion about variant significance. To our knowledge, no occurrence of c.2038A>G in individuals affected with SMARCA1-Related Disorders and no experimental evidence demonstrating its impact on protein function have been reported. No clinical diagnostic laboratories have submitted clinical-significance assessments for this variant to ClinVar after 2014. Based on the evidence outlined above, the variant was classified as uncertain significance.